The following is an entry in ClinVar:

ClinVar aggregate classification (germline): Uncertain significance (1 of 4 stars; one submission).

gnomAD v4.1: 3 of 1,603,580 alleles (0.00019%); highest among the groups gnomAD compares: Non-Finnish European, 0.00026%; no homozygotes.

Submission:

Labcorp Genetics (formerly Invitae), Labcorp
Classification: Uncertain significance. Last evaluated: 2023-07-07. Review status: criteria provided, single submitter. Criteria: Invitae Variant Classification Sherloc (09022015). Collection method: clinical testing. Allele origin: germline.
Comment: In summary, the available evidence is currently insufficient to determine the role of this variant in disease. Therefore, it has been classified as a Variant of Uncertain Significance. This sequence change replaces alanine, which is neutral and non-polar, with valine, which is neutral and non-polar, at codon 149 of the OSTM1 protein (p.Ala149Val). This variant is not present in population databases (gnomAD no frequency). This variant has not been reported in the literature in individuals affected with OSTM1-related conditions. ClinVar contains an entry for this variant (Variation ID: 1470200). Advanced modeling of protein sequence and biophysical properties (such as structural, functional, and spatial information, amino acid conservation, physicochemical variation, residue mobility, and thermodynamic stability) performed at Invitae indicates that this missense variant is not expected to disrupt OSTM1 protein function.

NM_014028.4(OSTM1):c.446C>T (p.Ala149Val)

Gene: OSTM1 (osteoclastogenesis associated transmembrane protein 1; minus strand). Cytogenetic location: 6q21.
Variant type: single nucleotide variant.
Coding change: c.446C>T on transcript NM_014028.4 (MANE Select); coding-DNA position 446, C replaced by T.
Protein change: p.Ala149Val; replaces alanine 149 with valine.
Molecular consequence: missense variant.
Genome position (GRCh38, 1-based): chr6:108,064,256, G>A on the plus strand (C>T on the coding strand, the complement: OSTM1 is on the minus strand). VCF-style: chr6-108064256-G-A. GRCh37 (hg19) VCF-style: chr6-108385460-G-A.
Other names: short protein forms A149V.
Identifiers: ClinVar variation 1470200 (VCV001470200.8), dbSNP rs1465643575, ClinGen allele CA365329408.